The following is an entry in ClinVar:

NM_000217.3(KCNA1):c.1383G>A (p.Met461Ile)

Gene: KCNA1 (potassium voltage-gated channel subfamily A member 1; plus strand). Cytogenetic location: 12p13.32.
Variant type: single nucleotide variant.
Coding change: c.1383G>A on transcript NM_000217.3 (MANE Select); coding-DNA position 1383, G replaced by A.
Protein change: p.Met461Ile; replaces methionine 461 with isoleucine.
Molecular consequence: missense variant.
Genome position (GRCh38, 1-based): chr12:4,912,761, G>A. VCF-style: chr12-4912761-G-A. GRCh37 (hg19) VCF-style: chr12-5021927-G-A.
Other names: short protein forms M461I.
Identifiers: ClinVar variation 2907625 (VCV002907625.3), dbSNP rs754282438, ClinGen allele CA6399500.

ClinVar aggregate classification (germline): Uncertain significance (1 of 4 stars; one submission).

Conditions:
Episodic ataxia type 1 (EA1). Also called: Episodic ataxia/myokymia syndrome; ATAXIA, EPISODIC, WITH MYOKYMIA; MYOKYMIA WITH PERIODIC ATAXIA; PAROXYSMAL ATAXIA WITH NEUROMYOTONIA, HEREDITARY. Identifiers: Orphanet 37612, Orphanet 972, MedGen C1719788, MONDO:0008047, OMIM 160120.

Allele frequency attached by ClinVar (database versions not stated): ExAC 0.00001.

Submission:

Labcorp Genetics (formerly Invitae), Labcorp
Classification: Uncertain significance for Episodic ataxia type 1. Last evaluated: 2024-01-30. Review status: criteria provided, single submitter. Criteria: Invitae Variant Classification Sherloc (09022015). Collection method: clinical testing. Allele origin: germline.
Comment: This sequence change replaces methionine, which is neutral and non-polar, with isoleucine, which is neutral and non-polar, at codon 461 of the KCNA1 protein (p.Met461Ile). This variant is present in population databases (rs754282438, gnomAD 0.006%). This variant has not been reported in the literature in individuals affected with KCNA1-related conditions. Advanced modeling of protein sequence and biophysical properties (such as structural, functional, and spatial information, amino acid conservation, physicochemical variation, residue mobility, and thermodynamic stability) performed at Invitae indicates that this missense variant is not expected to disrupt KCNA1 protein function with a negative predictive value of 95%. In summary, the available evidence is currently insufficient to determine the role of this variant in disease. Therefore, it has been classified as a Variant of Uncertain Significance.